The following is an entry in ClinVar:

ClinVar aggregate classification (germline): Uncertain significance. Review status: criteria provided, multiple submitters, no conflicts (2 of 4 stars). 2 submissions from 2 submitters: Uncertain significance (2). Last evaluated 2026-02-24.

Conditions:
Inborn genetic diseases. Identifiers: MedGen C0950123, MeSH D030342.
Sclerosteosis 2 (SOST2). Identifiers: Orphanet 3152, MedGen C3280402, MONDO:0013679, OMIM 614305.
Congenital myasthenic syndrome 17. Identifiers: Orphanet 590, MedGen C4225377, MONDO:0014578, OMIM 616304.
Cenani-Lenz syndactyly syndrome. Also called: SYNDACTYLY, TYPE VII; CENANI SYNDACTYLISM. Identifiers: Orphanet 3258, MedGen C1859309, MONDO:0008931, OMIM 212780.

Submissions (2):

Ambry Genetics
Classification: Uncertain significance for Inborn genetic diseases. Last evaluated: 2026-02-24. Review status: criteria provided, single submitter. Criteria: Ambry Variant Classification Scheme 2023. Collection method: clinical testing. Allele origin: germline.

Labcorp Genetics (formerly Invitae), Labcorp
Classification: Uncertain significance for Cenani-Lenz syndactyly syndrome; Sclerosteosis 2; Congenital myasthenic syndrome 17. Last evaluated: 2022-05-15. Review status: criteria provided, single submitter. Criteria: Invitae Variant Classification Sherloc (09022015). Collection method: clinical testing. Allele origin: germline.
Comment: In summary, the available evidence is currently insufficient to determine the role of this variant in disease. Therefore, it has been classified as a Variant of Uncertain Significance. Algorithms developed to predict the effect of missense changes on protein structure and function (SIFT, PolyPhen-2, Align-GVGD) all suggest that this variant is likely to be tolerated. This variant has not been reported in the literature in individuals affected with LRP4-related conditions. This variant is not present in population databases (gnomAD no frequency). This sequence change replaces serine, which is neutral and polar, with asparagine, which is neutral and polar, at codon 1645 of the LRP4 protein (p.Ser1645Asn).

NM_002334.4(LRP4):c.4934G>A (p.Ser1645Asn)

Genes: LRP4 (LDL receptor related protein 4; minus strand), LRP4-AS1 (LRP4 antisense RNA 1; plus strand). Cytogenetic location: 11p11.2.
Variant type: single nucleotide variant.
Coding change: c.4934G>A on transcript NM_002334.4 (MANE Select); coding-DNA position 4934, G replaced by A.
Protein change: p.Ser1645Asn; replaces serine 1645 with asparagine.
Molecular consequence: missense variant.
Genome position (GRCh38, 1-based): chr11:46,868,617, C>T on the plus strand (G>A on the coding strand, the complement: LRP4 is on the minus strand). VCF-style: chr11-46868617-C-T. GRCh37 (hg19) VCF-style: chr11-46890168-C-T.
Other names: c.4934G>A (NM_002334.3); short protein forms S1645N.
Identifiers: ClinVar variation 1994933 (VCV001994933.5), dbSNP rs2539712178, ClinGen allele CA380263497.